The following is an entry in ClinVar:

ClinVar aggregate classification (germline): Uncertain significance. Review status: criteria provided, multiple submitters, no conflicts (2 of 4 stars). 2 submissions from 2 submitters: Uncertain significance (2). Last evaluated 2025-06-18.

Conditions:
RP1L1-related disorder. Also called: RP1L1-related condition.

gnomAD v4.1: 3 of 1,612,940 alleles (0.00019%); highest among the groups gnomAD compares: East Asian, 0.0045%; no homozygotes.

Submissions (2):

PreventionGenetics, part of Exact Sciences
Classification: Uncertain significance for RP1L1-related condition. Last evaluated: 2025-06-18. Review status: criteria provided, single submitter. Criteria: ACMG Guidelines, 2015. Collection method: clinical testing. Allele origin: germline.
Comment: The RP1L1 c.1154G>C variant is predicted to result in the amino acid substitution p.Arg385Pro. To our knowledge, this variant has not been reported in the literature. An alternate nucleotide change impacting the same amino acid position (p.Arg385Trp) has been reported in an individual with retinitis pigmentosa (Haer-Wigman et al. 2017. PubMed ID: 28224992). This variant is reported in 0.0083% of alleles in individuals of African descent in gnomAD. At this time, the clinical significance of this variant is uncertain due to the absence of conclusive functional and genetic evidence.

Blueprint Genetics
Classification: Uncertain significance. Last evaluated: 2022-01-17. Review status: criteria provided, single submitter. Criteria: ACMG Guidelines, 2015. Collection method: clinical testing. Allele origin: germline.

NM_178857.6(RP1L1):c.1154G>C (p.Arg385Pro)

Gene: RP1L1 (RP1 like 1). Cytogenetic location: 8p23.1.
Variant type: single nucleotide variant.
Coding change: c.1154G>C on transcript NM_178857.6 (MANE Select); coding-DNA position 1154, G replaced by C.
Protein change: p.Arg385Pro; replaces arginine 385 with proline.
Molecular consequence: missense variant.
Genome position (GRCh38, 1-based): chr8:10,612,944, C>G on the plus strand (G>C on the coding strand, the complement: RP1L1 is on the minus strand). VCF-style: chr8-10612944-C-G. GRCh37 (hg19) VCF-style: chr8-10470454-C-G.
Other names: c.1154G>C (NM_178857.5); short protein forms R385P.
Identifiers: ClinVar variation 4899385 (VCV004899385.2).